The following is an entry in ClinVar:

NM_004336.5(BUB1):c.401A>G (p.Glu134Gly)

Gene: BUB1 (BUB1 mitotic checkpoint serine/threonine kinase; minus strand). Cytogenetic location: 2q13.
Variant type: single nucleotide variant.
Coding change: c.401A>G on transcript NM_004336.5 (MANE Select); coding-DNA position 401, A replaced by G.
Protein change: p.Glu134Gly; replaces glutamic acid 134 with glycine.
Molecular consequence: missense variant.
Genome position (GRCh38, 1-based): chr2:110,672,682, T>C on the plus strand (A>G on the coding strand, the complement: BUB1 is on the minus strand). VCF-style: chr2-110672682-T-C. GRCh37 (hg19) VCF-style: chr2-111430259-T-C.
Other names: c.341A>G, p.Glu114Gly (NM_001278616.2); c.401A>G, p.Glu134Gly (NM_001278617.2); short protein forms E114G, E134G.
Identifiers: ClinVar variation 1737085 (VCV001737085.2), dbSNP rs2468035702, ClinGen allele CA348220343.

ClinVar aggregate classification (germline): Uncertain significance (1 of 4 stars; one submission).

Submission:

Ambry Genetics
Classification: Uncertain significance. Last evaluated: 2022-10-19. Review status: criteria provided, single submitter. Criteria: Ambry Variant Classification Scheme 2023. Collection method: clinical testing. Allele origin: germline.
Comment: The p.E134G variant (also known as c.401A>G), located in coding exon 4 of the BUB1 gene, results from an A to G substitution at nucleotide position 401. The glutamic acid at codon 134 is replaced by glycine, an amino acid with similar properties. This amino acid position is conserved. In addition, this alteration is predicted to be tolerated by in silico analysis. Since supporting evidence is limited at this time, the clinical significance of this alteration remains unclear.